The following is an entry in ClinVar:

NM_001365480.1(CCDC88A):c.5497A>G (p.Ile1833Val)

Gene: CCDC88A (coiled-coil and HOOK domain protein 88A; minus strand). Cytogenetic location: 2p16.1.
Variant type: single nucleotide variant.
Coding change: c.5497A>G on transcript NM_001365480.1 (MANE Select); coding-DNA position 5497, A replaced by G.
Protein change: p.Ile1833Val; replaces isoleucine 1833 with valine.
Molecular consequence: missense variant.
Genome position (GRCh38, 1-based): chr2:55,295,651, T>C on the plus strand (A>G on the coding strand, the complement: CCDC88A is on the minus strand). VCF-style: chr2-55295651-T-C. GRCh37 (hg19) VCF-style: chr2-55522787-T-C.
Other names: c.5494A>G, p.Ile1832Val (NM_001135597.2); c.5272A>G, p.Ile1758Val (NM_001254943.2); c.5413A>G, p.Ile1805Val (NM_018084.5); c.5494A>G (NM_001135597.1); short protein forms I1832V, I1833V, I1758V, I1805V.
Identifiers: ClinVar variation 1377987 (VCV001377987.7), dbSNP rs367582957, ClinGen allele CA1665311.

ClinVar aggregate classification (germline): Conflicting classifications of pathogenicity. Review status: criteria provided, conflicting classifications (1 of 4 stars). 2 submissions from 2 submitters: Uncertain significance (1); Likely benign (1). Last evaluated 2025-07-14.

Allele frequency attached by ClinVar (database versions not stated): TOPMed 0.00002; ExAC 0.00005; ESP Exome Variant Server 0.00008.
gnomAD v4.1: 65 of 1,614,112 alleles (0.004%); highest among the groups gnomAD compares: South Asian, 0.018%; no homozygotes.

Submissions (2):

Ambry Genetics
Classification: Likely benign. Last evaluated: 2025-07-14. Review status: criteria provided, single submitter. Criteria: Ambry Variant Classification Scheme 2023. Collection method: clinical testing. Allele origin: germline.

Labcorp Genetics (formerly Invitae), Labcorp
Classification: Uncertain significance. Last evaluated: 2022-11-01. Review status: criteria provided, single submitter. Criteria: Invitae Variant Classification Sherloc (09022015). Collection method: clinical testing. Allele origin: germline.
Comment: In summary, the available evidence is currently insufficient to determine the role of this variant in disease. Therefore, it has been classified as a Variant of Uncertain Significance. Algorithms developed to predict the effect of missense changes on protein structure and function output the following: SIFT: "Tolerated"; PolyPhen-2: "Benign"; Align-GVGD: "Class C0". The valine amino acid residue is found in multiple mammalian species, which suggests that this missense change does not adversely affect protein function. ClinVar contains an entry for this variant (Variation ID: 1377987). This variant has not been reported in the literature in individuals affected with CCDC88A-related conditions. This variant is present in population databases (rs367582957, gnomAD 0.03%). This sequence change replaces isoleucine, which is neutral and non-polar, with valine, which is neutral and non-polar, at codon 1832 of the CCDC88A protein (p.Ile1832Val).